The following is an entry in ClinVar:

ClinVar aggregate classification (germline): Uncertain significance (1 of 4 stars; one submission).

Conditions:
Wilson disease (WND). Also called: Wilson's disease. Identifiers: Orphanet 905, MedGen C0019202, MONDO:0010200, OMIM 277900. Disease mechanism: loss of function.

Submission:

Color Diagnostics, LLC DBA Color Health
Classification: Uncertain significance for Wilson disease. Last evaluated: 2025-05-20. Review status: criteria provided, single submitter. Criteria: ACMG Guidelines, 2015. Collection method: clinical testing. Allele origin: germline.
Comment: This missense variant replaces serine with alanine at codon 137 of the ATP7B protein. Computational prediction suggests that this variant may not impact protein structure and function. To our knowledge, functional studies have not been reported for this variant. This variant has not been reported in individuals affected with ATP7B-related disorders in the literature. This variant has not been identified in the general population by the Genome Aggregation Database (gnomAD). The available evidence is insufficient to determine the role of this variant in disease conclusively. Therefore, this variant is classified as a Variant of Uncertain Significance.

NM_000053.4(ATP7B):c.409T>G (p.Ser137Ala)

Gene: ATP7B (ATPase copper transporting beta; minus strand). Cytogenetic location: 13q14.3.
Variant type: single nucleotide variant.
Coding change: c.409T>G on transcript NM_000053.4 (MANE Select); coding-DNA position 409, T replaced by G.
Protein change: p.Ser137Ala; replaces serine 137 with alanine.
Molecular consequence: missense variant.
Genome position (GRCh38, 1-based): chr13:51,974,811, A>C on the plus strand (T>G on the coding strand, the complement: ATP7B is on the minus strand). VCF-style: chr13-51974811-A-C. GRCh37 (hg19) VCF-style: chr13-52548947-A-C.
Other names: c.409T>G, p.Ser137Ala (NM_001406524.1, NM_001406525.1, NM_001406526.1 and 30 more transcripts); c.313T>G, p.Ser105Ala (NM_001406530.1, NM_001406517.1, NM_001406518.1 and 4 more transcripts); short protein forms S105A, S137A.
Identifiers: ClinVar variation 4756805 (VCV004756805.1).